The following is an entry in ClinVar:

NM_133433.4(NIPBL):c.2511G>C (p.Gln837His)

Gene: NIPBL (NIPBL cohesin loading factor; plus strand). Cytogenetic location: 5p13.2.
Variant type: single nucleotide variant.
Coding change: c.2511G>C on transcript NM_133433.4 (MANE Select); coding-DNA position 2511, G replaced by C.
Protein change: p.Gln837His; replaces glutamine 837 with histidine.
Molecular consequence: missense variant.
Genome position (GRCh38, 1-based): chr5:36,985,691, G>C. VCF-style: chr5-36985691-G-C. GRCh37 (hg19) VCF-style: chr5-36985793-G-C.
Other names: c.2511G>C, p.Gln837His (NM_015384.5); short protein forms Q837H.
Identifiers: ClinVar variation 589000 (VCV000589000.12), dbSNP rs201163469, ClinGen allele CA117044760.

ClinVar aggregate classification (germline): Uncertain significance. Review status: criteria provided, multiple submitters, no conflicts (2 of 4 stars). 4 submissions from 4 submitters: Uncertain significance (3). 1 of the submissions does not count toward it. Last evaluated 2025-07-30.

Conditions:
NIPBL-related disorder. Also called: NIPBL-related condition.
Inborn genetic diseases. Identifiers: MedGen C0950123, MeSH D030342.
Cornelia de Lange syndrome 1 (CDLS1). Also called: TYPUS DEGENERATIVUS AMSTELODAMENSIS; NIPBL-Related Cornelia de Lange Syndrome; Brachmann de Lange syndrome. Identifiers: Orphanet 199, MedGen C4551851, MONDO:0007387, OMIM 122470.

Allele frequency attached by ClinVar (database versions not stated): gnomAD 0.00001 and 0.00003; TOPMed 0.00002.

Submissions (4):

Labcorp Genetics (formerly Invitae), Labcorp
Classification: Uncertain significance for Cornelia de Lange syndrome 1. Last evaluated: 2025-07-30. Review status: criteria provided, single submitter. Criteria: Invitae Variant Classification Sherloc (09022015). Collection method: clinical testing. Allele origin: germline.
Comment: This sequence change replaces glutamine, which is neutral and polar, with histidine, which is basic and polar, at codon 837 of the NIPBL protein (p.Gln837His). This variant is not present in population databases (gnomAD no frequency). This variant has not been reported in the literature in individuals affected with NIPBL-related conditions. ClinVar contains an entry for this variant (Variation ID: 589000). Invitae Evidence Modeling of protein sequence and biophysical properties (such as structural, functional, and spatial information, amino acid conservation, physicochemical variation, residue mobility, and thermodynamic stability) indicates that this missense variant is not expected to disrupt NIPBL protein function with a negative predictive value of 95%. In summary, the available evidence is currently insufficient to determine the role of this variant in disease. Therefore, it has been classified as a Variant of Uncertain Significance.

Revvity Omics, Revvity
Classification: Uncertain significance for Cornelia de Lange syndrome 1. Last evaluated: 2021-01-21. Review status: criteria provided, single submitter. Criteria: ACMG Guidelines, 2015. Collection method: clinical testing. Allele origin: germline.

Ambry Genetics
Classification: Uncertain significance for Inborn genetic diseases. Last evaluated: 2017-05-03. Review status: criteria provided, single submitter. Criteria: Ambry Variant Classification Scheme 2023. Collection method: clinical testing. Allele origin: germline.
Comment: The p.Q837H variant (also known as c.2511G>C), located in coding exon 9 of the NIPBL gene, results from a G to C substitution at nucleotide position 2511. The glutamine at codon 837 is replaced by histidine, an amino acid with highly similar properties. This amino acid position is well conserved in available vertebrate species. In addition, this alteration is predicted to be tolerated by in silico analysis. Since supporting evidence is limited at this time, the clinical significance of this alteration remains unclear.

PreventionGenetics, part of Exact Sciences
Classification: Uncertain significance for NIPBL-related condition. Last evaluated: 2024-09-12. Review status: no assertion criteria provided. Collection method: clinical testing. Allele origin: germline. Not counted in ClinVar's aggregate classification.
Comment: The NIPBL c.2511G>C variant is predicted to result in the amino acid substitution p.Gln837His. To our knowledge, this variant has not been reported in the literature or in a large population database, indicating this variant is rare. At this time, the clinical significance of this variant is uncertain due to the absence of conclusive functional and genetic evidence.